The following is an entry in ClinVar:

ClinVar aggregate classification (germline): Uncertain significance. Review status: criteria provided, multiple submitters, no conflicts (2 of 4 stars). 2 submissions from 2 submitters: Uncertain significance (2). Last evaluated 2025-01-09.

Conditions:
Inborn genetic diseases. Identifiers: MedGen C0950123, MeSH D030342.

Allele frequency attached by ClinVar (database versions not stated): gnomAD exomes below 0.00001; TOPMed below 0.00001.
gnomAD v4.1: 2 of 1,612,100 alleles (0.00012%); highest among the groups gnomAD compares: Admixed American, 0.0033%; no homozygotes.

Submissions (2):

Ambry Genetics
Classification: Uncertain significance for Inborn genetic diseases. Last evaluated: 2025-01-09. Review status: criteria provided, single submitter. Criteria: Ambry Variant Classification Scheme 2023. Collection method: clinical testing. Allele origin: germline.
Comment: The p.Q729E variant (also known as c.2185C>G), located in coding exon 21 of the ANKRD26 gene, results from a C to G substitution at nucleotide position 2185. The glutamine at codon 729 is replaced by glutamic acid, an amino acid with highly similar properties. This amino acid position is conserved. In addition, this alteration is predicted to be tolerated by in silico analysis. Based on the available evidence, the clinical significance of this variant remains unclear.

Labcorp Genetics (formerly Invitae), Labcorp
Classification: Uncertain significance. Last evaluated: 2023-04-17. Review status: criteria provided, single submitter. Criteria: Invitae Variant Classification Sherloc (09022015). Collection method: clinical testing. Allele origin: germline.
Comment: In summary, the available evidence is currently insufficient to determine the role of this variant in disease. Therefore, it has been classified as a Variant of Uncertain Significance. An algorithm developed to predict the effect of missense changes on protein structure and function (PolyPhen-2) suggests that this variant is likely to be tolerated. This variant has not been reported in the literature in individuals affected with ANKRD26-related conditions. This variant is present in population databases (no rsID available, gnomAD 0.003%). This sequence change replaces glutamine, which is neutral and polar, with glutamic acid, which is acidic and polar, at codon 729 of the ANKRD26 protein (p.Gln729Glu).

NM_014915.3(ANKRD26):c.2185C>G (p.Gln729Glu)

Gene: ANKRD26 (ankyrin repeat domain 26; minus strand). Cytogenetic location: 10p12.1.
Variant type: single nucleotide variant.
Coding change: c.2185C>G on transcript NM_014915.3 (MANE Select); coding-DNA position 2185, C replaced by G.
Protein change: p.Gln729Glu; replaces glutamine 729 with glutamic acid.
Molecular consequence: missense variant.
Genome position (GRCh38, 1-based): chr10:27,040,155, G>C on the plus strand (C>G on the coding strand, the complement: ANKRD26 is on the minus strand). VCF-style: chr10-27040155-G-C. GRCh37 (hg19) VCF-style: chr10-27329084-G-C.
Other names: c.2182C>G, p.Gln728Glu (NM_001256053.2); short protein forms Q728E, Q729E.
Identifiers: ClinVar variation 2715326 (VCV002715326.4), dbSNP rs1290402857, ClinGen allele CA376367961.